The following is an entry in ClinVar:

NM_017637.6(BNC2):c.46A>G (p.Lys16Glu)

Gene: BNC2 (basonuclin zinc finger protein 2; minus strand). Cytogenetic location: 9p22.2.
Variant type: single nucleotide variant.
Coding change: c.46A>G on transcript NM_017637.6 (MANE Select); coding-DNA position 46, A replaced by G.
Protein change: p.Lys16Glu; replaces lysine 16 with glutamic acid.
Molecular consequence: missense variant. On other transcripts: intron variant (2).
Genome position (GRCh38, 1-based): chr9:16,738,443, T>C on the plus strand (A>G on the coding strand, the complement: BNC2 is on the minus strand). VCF-style: chr9-16738443-T-C. GRCh37 (hg19) VCF-style: chr9-16738441-T-C.
Other names: c.4-10446A>G (NM_001317939.2); c.45+93801A>G (NM_001317940.2); short protein forms K16E.
Identifiers: ClinVar variation 4598242 (VCV004598242.2).
Genomic context (GRCh38, chr9:16,738,443, plus strand): 5'-CACAACATGGGACCTTGAAATATGCTGGCCAGTCTTGCTCACTAAGCCTGTCCTCTGATT[T>C]GTAATTAAGGCTATGTGGAGGTGGGGTGGGCCCAAGGTGTGCCTATTGAGAGATTGGGAA-3'
Protein context (NP_060107.3, residues 6-26): PTPPPHSLNY[Lys16Glu]SEDRLSEQDW

ClinVar aggregate classification (germline): Uncertain significance. Review status: criteria provided, multiple submitters, no conflicts (2 of 4 stars). 2 submissions from 2 submitters: Uncertain significance (2). Last evaluated 2025-12-10.

Conditions:
Inborn genetic diseases. Identifiers: MedGen C0950123, MeSH D030342.

gnomAD v4.1: 7 of 1,614,002 alleles (0.00043%); highest among the groups gnomAD compares: Admixed American, 0.0033%; no homozygotes.

Submissions (2):

Labcorp Genetics (formerly Invitae), Labcorp
Classification: Uncertain significance. Last evaluated: 2025-12-10. Review status: criteria provided, single submitter. Criteria: Invitae Variant Classification Sherloc (09022015). Collection method: clinical testing. Allele origin: germline.
Comment: This sequence change replaces lysine, which is basic and polar, with glutamic acid, which is acidic and polar, at codon 16 of the BNC2 protein (p.Lys16Glu). This variant is present in population databases (no rsID available, gnomAD 0.006%). This variant has not been reported in the literature in individuals affected with BNC2-related conditions. Experimental studies and prediction algorithms are not available or were not evaluated, and the functional significance of this variant is currently unknown. In summary, the available evidence is currently insufficient to determine the role of this variant in disease. Therefore, it has been classified as a Variant of Uncertain Significance.

Ambry Genetics
Classification: Uncertain significance for Inborn genetic diseases. Last evaluated: 2025-11-12. Review status: criteria provided, single submitter. Criteria: Ambry Variant Classification Scheme 2023. Collection method: clinical testing. Allele origin: germline.